The following is an entry in ClinVar:

ClinVar aggregate classification (germline): Pathogenic (1 of 4 stars; one submission).

Conditions:
Severe combined immunodeficiency, autosomal recessive, T cell-negative, B cell-negative, NK cell-negative, due to adenosine deaminase deficiency. Also called: ADA-SCID; SCID DUE TO ADA DEFICIENCY; SCID DUE TO ADA DEFICIENCY, EARLY-ONSET; ADA deficiency; Adenosine deaminase deficient severe combined immunodeficiency; Severe combined immunodeficiency due to ADA deficiency. Identifiers: Orphanet 277, MedGen C0392607, MONDO:0007064, OMIM 102700.

Submission:

Myriad Genetics, Inc.
Classification: Pathogenic for Severe combined immunodeficiency, autosomal recessive, T cell-negative, B cell-negative, NK cell-negative, due to adenosine deaminase deficiency. Last evaluated: 2026-04-22. Review status: criteria provided, single submitter. Criteria: Myriad Autosomal Dominant, Autosomal Recessive and X-Linked Classification Criteria (2023). Collection method: clinical testing. Allele origin: unknown.
Comment: NM_000022.2(ADA):c.288_289delGT(Y97Cfs*24) is expected to be pathogenic in the context of adenosine deaminase deficiency. This variant is predicted to lead to an abnormal or absent protein product due to the creation of a premature termination codon in ADA, a gene where loss-of-function variants are known to be pathogenic. Please note: this variant was assessed in the context of healthy population screening.

NM_000022.4(ADA):c.288_289del (p.Tyr97fs)

Gene: ADA (adenosine deaminase; minus strand). Cytogenetic location: 20q13.12.
Variant type: Microsatellite.
Coding change: c.288_289del on transcript NM_000022.4 (MANE Select); coding-DNA positions 288 to 289, 2 bases deleted (GT; older notation c.288_289delGT).
Protein change: p.Tyr97fs; shifts the reading frame from tyrosine 97.
Molecular consequence: frameshift variant. On other transcripts: 5 prime UTR variant (1), non-coding transcript variant (1).
Genome position (GRCh38, 1-based): chr20:44,626,529-44,626,530, AC deleted on the plus strand (GT on the coding strand, the reverse complement: ADA is on the minus strand); deleting any 2 consecutive bases within chr20:44,626,529-44,626,532 gives the same sequence; the c. name uses the placement nearest the transcript's 3' end. VCF-style (leftmost placement, unchanged base first): chr20-44626528-TAC-T. GRCh37 (hg19) VCF-style: chr20-43255169-TAC-T.
Other names: c.-4GT[1] (NM_001322050.2); c.288_289del, p.Tyr97fs (NM_001322051.2); short protein forms Y97fs.
Identifiers: ClinVar variation 5015819 (VCV005015819.1).
Genomic context (GRCh38, chr20:44,626,528, plus strand): 5'-CAGGGGATTGGCTCCACTTTGGAGTTGGCCAGCAGGTGCGGACTGTACCGCACCTCCACA[TAC>T]ACCACGCCCTCTTTGGCCTTCATCTCTACAAACTCATAGGCGATCCTTTTGATAGCCTCC-3'